The following is an entry in ClinVar:

ClinVar aggregate classification (germline): Likely benign. Review status: reviewed by expert panel (3 of 4 stars). 12 submissions from 12 submitters: Likely benign (1). 11 of the submissions do not count toward it. Last evaluated 2017-06-29.

Conditions:
Hereditary cancer-predisposing syndrome. Also called: Hereditary Cancer Syndrome; Hereditary neoplastic syndrome; Tumor predisposition; Neoplastic Syndromes, Hereditary. Identifiers: Orphanet 140162, MedGen C0027672, MeSH D009386, MONDO:0015356.
Hereditary breast ovarian cancer syndrome. Also called: Hereditary breast and ovarian cancer syndrome; Hereditary breast and ovarian cancer syndrome (HBOC); BRCA1- and BRCA2-Associated Hereditary Breast and Ovarian Cancer; Breast and ovarian cancer; Hereditary breast and ovarian cancer; Hereditary breast and/or ovarian cancer syndrome. Identifiers: Orphanet 145, MedGen C0677776, MeSH D061325, MONDO:0003582. Disease mechanism: loss of function.
Breast-ovarian cancer, familial, susceptibility to, 1 (BROVCA1). Also called: OVARIAN CANCER, SUSCEPTIBILITY TO; BRCA1 Hereditary Breast and Ovarian Cancer. Identifiers: Orphanet 145, MedGen C2676676, MONDO:0011450, OMIM 604370. Disease mechanism: loss of function.
BRCA1-related disorder. Also called: BRCA1-related condition.

Allele frequency attached by ClinVar (database versions not stated): ExAC 0.00001; gnomAD 0.00001; gnomAD exomes 0.00001; TOPMed 0.00002.
gnomAD v4.1: 7 of 1,613,696 alleles (0.00043%); highest among the groups gnomAD compares: Admixed American, 0.012%; no homozygotes.

Submissions (12):

Evidence-based Network for the Interpretation of Germline Mutant Alleles (ENIGMA)
Classification: Likely benign for Breast-ovarian cancer, familial, susceptibility to, 1. Last evaluated: 2017-06-29. Review status: reviewed by expert panel. Criteria: ENIGMA BRCA1/2 Classification Criteria (2017-06-29). Collection method: curation. Allele origin: germline.
Comment: Synonymous substitution variant, with low bioinformatic likelihood to result in a splicing aberration (Splicing prior probability 0.02).

PreventionGenetics, part of Exact Sciences
Classification: Likely benign for BRCA1-related condition. Last evaluated: 2026-05-10. Review status: criteria provided, single submitter. Criteria: ACMG Guidelines, 2015. Collection method: clinical testing. Allele origin: germline. Not counted in ClinVar's aggregate classification.
Comment: This variant is classified as likely benign based on ACMG/AMP sequence variant interpretation guidelines (Richards et al. 2015 PMID: 25741868, with internal and published modifications).

Labcorp Genetics (formerly Invitae), Labcorp
Classification: Likely benign for Hereditary breast ovarian cancer syndrome. Last evaluated: 2026-01-31. Review status: criteria provided, single submitter. Criteria: Invitae Variant Classification Sherloc (09022015). Collection method: clinical testing. Allele origin: germline. Not counted in ClinVar's aggregate classification.

All of Us Research Program, National Institutes of Health
Classification: Likely benign for Breast-ovarian cancer, familial, susceptibility to, 1. Last evaluated: 2023-09-17. Review status: criteria provided, single submitter. Criteria: ACMG Guidelines, 2015. Collection method: clinical testing. Allele origin: germline. Inheritance: Autosomal dominant inheritance. Observed: 3 variant alleles, 3 heterozygotes. Not counted in ClinVar's aggregate classification.
Comment: This study involves interpretation of variants in research participants for the purpose of population health screening. Participant phenotype was not available at the time of variant classification. Additional details can be found in publication PMID: 35346344, PMCID: PMC8962531

Quest Diagnostics Nichols Institute San Juan Capistrano
Classification: Likely benign. Last evaluated: 2022-11-01. Review status: criteria provided, single submitter. Criteria: Quest Diagnostics criteria. Collection method: clinical testing. Allele origin: unknown. Not counted in ClinVar's aggregate classification.

Sema4
Classification: Likely benign for Hereditary cancer-predisposing syndrome. Last evaluated: 2021-09-08. Review status: criteria provided, single submitter. Criteria: Sema4 Curation Guidelines. Collection method: curation. Allele origin: germline. Not counted in ClinVar's aggregate classification.

Blueprint Genetics
Classification: Likely benign. Last evaluated: 2020-04-30. Review status: criteria provided, single submitter. Criteria: ACMG Guidelines, 2015. Collection method: clinical testing. Allele origin: germline. Not counted in ClinVar's aggregate classification.

Women's Health and Genetics/Laboratory Corporation of America, LabCorp
Classification: Likely benign. Last evaluated: 2019-08-21. Review status: criteria provided, single submitter. Criteria: LabCorp Variant Classification Summary - May 2015. Collection method: clinical testing. Allele origin: germline. Not counted in ClinVar's aggregate classification.

Color Diagnostics, LLC DBA Color Health
Classification: Likely benign for Hereditary cancer-predisposing syndrome. Last evaluated: 2017-06-06. Review status: criteria provided, single submitter. Criteria: ACMG Guidelines, 2015. Collection method: clinical testing. Allele origin: germline. Not counted in ClinVar's aggregate classification.

Ambry Genetics
Classification: Likely benign for Hereditary cancer-predisposing syndrome. Last evaluated: 2017-04-18. Review status: criteria provided, single submitter. Criteria: Ambry Variant Classification Scheme 2023. Collection method: clinical testing. Allele origin: germline. Not counted in ClinVar's aggregate classification.

Genetic Services Laboratory, University of Chicago
Classification: Likely benign. Last evaluated: 2016-12-29. Review status: criteria provided, single submitter. Criteria: ACMG Guidelines, 2015. Collection method: clinical testing. Allele origin: germline. Affected: no. Not counted in ClinVar's aggregate classification.

GeneDx
Classification: Benign. Last evaluated: 2014-09-15. Review status: criteria provided, single submitter. Criteria: GeneDx Variant Classification (06012015). Collection method: clinical testing. Allele origin: germline. Affected: yes. Not counted in ClinVar's aggregate classification.
Comment: This variant is considered likely benign or benign based on one or more of the following criteria: it is a conservative change, it occurs at a poorly conserved position in the protein, it is predicted to be benign by multiple in silico algorithms, and/or has population frequency not consistent with disease.

NM_007294.4(BRCA1):c.420T>C (p.Ser140=)

Gene: BRCA1 (BRCA1 DNA repair associated; minus strand). Cytogenetic location: 17q21.31.
Variant type: single nucleotide variant.
Coding change: c.420T>C on transcript NM_007294.4 (MANE Select); coding-DNA position 420, T replaced by C.
Protein change: p.Ser140=; no amino-acid change (serine 140 retained).
Molecular consequence: synonymous variant. On other transcripts: intron variant (2).
Genome position (GRCh38, 1-based): chr17:43,104,143, A>G on the plus strand (T>C on the coding strand, the complement: BRCA1 is on the minus strand). VCF-style: chr17-43104143-A-G. GRCh37 (hg19) VCF-style: chr17-41256160-A-G.
Other names: p.S140S:AGT>AGC; c.420T>C, p.Ser140= (NM_001407610.1, NM_001407611.1, NM_001407612.1 and 165 more transcripts); c.411T>C, p.Ser137= (NM_001407646.1, NM_001407647.1, NM_001408408.1); c.342T>C, p.Ser114= (NM_001407653.1, NM_001407654.1, NM_001407655.1 and 21 more transcripts); c.279T>C, p.Ser93= (NM_001407692.1, NM_001407694.1, NM_001407695.1 and 99 more transcripts); c.210T>C, p.Ser70= (NM_001407853.1, NM_001407879.1, NM_001407881.1 and 58 more transcripts); c.39T>C, p.Ser13= (NM_001407959.1, NM_001407960.1, NM_001407962.1 and 4 more transcripts); c.288T>C, p.Ser96= (NM_001408451.1); and 1 more.
Identifiers: ClinVar variation 182085 (VCV000182085.29), dbSNP rs730881448, ClinGen allele CA002710.